The following is an entry in ClinVar:

NM_000321.3(RB1):c.1814+12A>G

Gene: RB1 (RB transcriptional corepressor 1; plus strand). Cytogenetic location: 13q14.2.
Variant type: single nucleotide variant.
Coding change: c.1814+12A>G on transcript NM_000321.3 (MANE Select); 12 bases into the intron after coding-DNA position 1814, A replaced by G.
Molecular consequence: intron variant.
Genome position (GRCh38, 1-based): chr13:48,453,123, A>G. VCF-style: chr13-48453123-A-G. GRCh37 (hg19) VCF-style: chr13-49027259-A-G.
Identifiers: ClinVar variation 1963567 (VCV001963567.5), dbSNP rs1415028405, ClinGen allele CA609583792.

ClinVar aggregate classification (germline): Uncertain significance (1 of 4 stars; one submission).

Conditions:
Retinoblastoma (RB1). Also called: RETINOBLASTOMA, SOMATIC. Identifiers: Orphanet 790, MedGen C0035335, MeSH D012175, MONDO:0008380, OMIM 180200, HP:0009919. Disease mechanism: loss of function. Inheritance: Both sporadic and heritable forms are tested..

Allele frequency attached by ClinVar (database versions not stated): gnomAD exomes below 0.00001.
gnomAD v4.1: 1 of 1,606,924 alleles (0.000062%); highest among the groups gnomAD compares: Non-Finnish European, 0.000085%; no homozygotes.

Submission:

Labcorp Genetics (formerly Invitae), Labcorp
Classification: Uncertain significance for Retinoblastoma. Last evaluated: 2022-06-23. Review status: criteria provided, single submitter. Criteria: Invitae Variant Classification Sherloc (09022015). Collection method: clinical testing. Allele origin: germline.
Comment: This sequence change falls in intron 18 of the RB1 gene. It does not directly change the encoded amino acid sequence of the RB1 protein. This variant is present in population databases (no rsID available, gnomAD 0.0009%). This variant has not been reported in the literature in individuals affected with RB1-related conditions. Algorithms developed to predict the effect of sequence changes on RNA splicing suggest that this variant may create or strengthen a splice site. In summary, the available evidence is currently insufficient to determine the role of this variant in disease. Therefore, it has been classified as a Variant of Uncertain Significance.